The following is an entry in ClinVar:

NM_014795.4(ZEB2):c.1553A>G (p.His518Arg)

Gene: ZEB2 (zinc finger E-box binding homeobox 2; minus strand). Cytogenetic location: 2q22.3.
Variant type: single nucleotide variant.
Coding change: c.1553A>G on transcript NM_014795.4 (MANE Select); coding-DNA position 1553, A replaced by G.
Protein change: p.His518Arg; replaces histidine 518 with arginine.
Molecular consequence: missense variant.
Genome position (GRCh38, 1-based): chr2:144,399,634, T>C on the plus strand (A>G on the coding strand, the complement: ZEB2 is on the minus strand). VCF-style: chr2-144399634-T-C. GRCh37 (hg19) VCF-style: chr2-145157201-T-C.
Other names: c.1481A>G, p.His494Arg (NM_001171653.2); short protein forms H494R, H518R.
Identifiers: ClinVar variation 3004082 (VCV003004082.3), dbSNP rs755990409, ClinGen allele CA1898322.

ClinVar aggregate classification (germline): Uncertain significance (1 of 4 stars; one submission).

Conditions:
Mowat-Wilson syndrome (MOWS). Also called: Classic Mowat-Wilson Syndrome. Identifiers: Orphanet 2152, MedGen C1856113, MONDO:0009341, OMIM 235730.

Allele frequency attached by ClinVar (database versions not stated): gnomAD exomes below 0.00001; TOPMed below 0.00001; ExAC 0.00002.
gnomAD v4.1: 2 of 1,614,226 alleles (0.00012%); highest among the groups gnomAD compares: Non-Finnish European, 0.00017%; no homozygotes.

Submission:

Labcorp Genetics (formerly Invitae), Labcorp
Classification: Uncertain significance for Mowat-Wilson syndrome. Last evaluated: 2023-06-04. Review status: criteria provided, single submitter. Criteria: Invitae Variant Classification Sherloc (09022015). Collection method: clinical testing. Allele origin: germline.
Comment: Advanced modeling of protein sequence and biophysical properties (such as structural, functional, and spatial information, amino acid conservation, physicochemical variation, residue mobility, and thermodynamic stability) performed at Invitae indicates that this missense variant is not expected to disrupt ZEB2 protein function. In summary, the available evidence is currently insufficient to determine the role of this variant in disease. Therefore, it has been classified as a Variant of Uncertain Significance. This sequence change replaces histidine, which is basic and polar, with arginine, which is basic and polar, at codon 518 of the ZEB2 protein (p.His518Arg). This variant is present in population databases (rs755990409, gnomAD 0.002%). This variant has not been reported in the literature in individuals affected with ZEB2-related conditions.